The following is an entry in ClinVar:

NM_001198533.2(OXR1):c.2328G>A (p.Ala776=)

Gene: OXR1 (oxidation resistance 1; plus strand). Cytogenetic location: 8q23.1.
Variant type: single nucleotide variant.
Coding change: c.2328G>A on transcript NM_001198533.2 (MANE Select); coding-DNA position 2328, G replaced by A.
Protein change: p.Ala776=; no amino-acid change (alanine 776 retained).
Molecular consequence: synonymous variant.
Genome position (GRCh38, 1-based): chr8:106,742,233, G>A. VCF-style: chr8-106742233-G-A. GRCh37 (hg19) VCF-style: chr8-107754461-G-A.
Other names: c.2331G>A, p.Ala777= (NM_001198532.1); c.438G>A, p.Ala146= (NM_001198534.1); c.357G>A, p.Ala119= (NM_001198535.1); c.2247G>A, p.Ala749= (NM_018002.3); c.2226G>A, p.Ala742= (NM_181354.4).
Identifiers: ClinVar variation 4280994 (VCV004280994.7).

ClinVar aggregate classification (germline): Likely benign (1 of 4 stars; one submission).

gnomAD v4.1: 182 of 1,598,616 alleles (0.011%); highest among the groups gnomAD compares: Admixed American, 0.18%; 1 homozygote.

Submission:

CeGaT Center for Human Genetics Tuebingen
Classification: Likely benign. Last evaluated: 2026-06-01. Review status: criteria provided, single submitter. Criteria: CeGaT Center For Human Genetics Tuebingen Variant Classification Criteria Version 2. Collection method: clinical testing. Allele origin: germline. Affected: yes. Observed: 2 variant alleles.
Comment: OXR1: BP4, BP7